The following is an entry in ClinVar:

NM_001232.4(CASQ2):c.713T>C (p.Val238Ala)

Gene: CASQ2 (calsequestrin 2; minus strand). Cytogenetic location: 1p13.1.
Variant type: single nucleotide variant.
Coding change: c.713T>C on transcript NM_001232.4 (MANE Select); coding-DNA position 713, T replaced by C.
Protein change: p.Val238Ala; replaces valine 238 with alanine.
Molecular consequence: missense variant.
Genome position (GRCh38, 1-based): chr1:115,727,016, A>G on the plus strand (T>C on the coding strand, the complement: CASQ2 is on the minus strand). VCF-style: chr1-115727016-A-G. GRCh37 (hg19) VCF-style: chr1-116269637-A-G.
Other names: short protein forms V238A.
Identifiers: ClinVar variation 1757351 (VCV001757351.4), dbSNP rs2464892717, ClinGen allele CA341768666.
Genomic context (GRCh38, chr1:115,727,016, plus strand): 5'-CCCAGGCCCCCAGCCCCCACATGCCATCTCAGGCACCTTTGGTGTTCCTTCACAAACTCC[A>G]CCAGCTCCTCTTCTGTGTAAGGTTTGTTGGGGATGGCAATGGGCTCATCCATAAATGGCT-3'
Protein context (NP_001223.2, residues 228-248): PNKPYTEEEL[Val238Ala]EFVKEHQRPT

ClinVar aggregate classification (germline): Uncertain significance. Review status: criteria provided, multiple submitters, no conflicts (2 of 4 stars). 2 submissions from 2 submitters: Uncertain significance (2). Last evaluated 2025-06-04.

Conditions:
Catecholaminergic polymorphic ventricular tachycardia 1. Also called: VENTRICULAR TACHYCARDIA, CATECHOLAMINERGIC POLYMORPHIC, 1, WITH OR WITHOUT ATRIAL DYSFUNCTION AND/OR DILATED CARDIOMYOPATHY; VENTRICULAR TACHYCARDIA, STRESS-INDUCED POLYMORPHIC 1; RYR2-Related Catecholaminergic Polymorphic Ventricular Tachycardia. Identifiers: Orphanet 3286, MedGen C1631597, MONDO:0011484, OMIM 604772.
Cardiovascular phenotype. Identifiers: MedGen CN230736.

Allele frequency attached by ClinVar (database versions not stated): gnomAD exomes below 0.00001.
gnomAD v4.1: 1 of 1,608,996 alleles (0.000062%); highest among the groups gnomAD compares: Non-Finnish European, 0.000085%; no homozygotes.

Submissions (2):

Labcorp Genetics (formerly Invitae), Labcorp
Classification: Uncertain significance for Catecholaminergic polymorphic ventricular tachycardia 1. Last evaluated: 2025-06-04. Review status: criteria provided, single submitter. Criteria: Invitae Variant Classification Sherloc (09022015). Collection method: clinical testing. Allele origin: germline.
Comment: This sequence change replaces valine, which is neutral and non-polar, with alanine, which is neutral and non-polar, at codon 238 of the CASQ2 protein (p.Val238Ala). This variant is not present in population databases (gnomAD no frequency). This variant has not been reported in the literature in individuals affected with CASQ2-related conditions. ClinVar contains an entry for this variant (Variation ID: 1757351). Invitae Evidence Modeling of protein sequence and biophysical properties (such as structural, functional, and spatial information, amino acid conservation, physicochemical variation, residue mobility, and thermodynamic stability) has been performed for this missense variant. However, the output from this modeling did not meet the statistical confidence thresholds required to predict the impact of this variant on CASQ2 protein function. In summary, the available evidence is currently insufficient to determine the role of this variant in disease. Therefore, it has been classified as a Variant of Uncertain Significance.

Ambry Genetics
Classification: Uncertain significance for Cardiovascular phenotype. Last evaluated: 2024-08-07. Review status: criteria provided, single submitter. Criteria: Ambry Variant Classification Scheme 2023. Collection method: clinical testing. Allele origin: germline.
Comment: The p.V238A variant (also known as c.713T>C), located in coding exon 6 of the CASQ2 gene, results from a T to C substitution at nucleotide position 713. The valine at codon 238 is replaced by alanine, an amino acid with similar properties. This amino acid position is conserved. In addition, the in silico prediction for this alteration is inconclusive. Since supporting evidence is limited at this time, the clinical significance of this alteration remains unclear.